The following is an entry in ClinVar:

ClinVar aggregate classification (germline): Uncertain significance. Review status: criteria provided, multiple submitters, no conflicts (2 of 4 stars). 2 submissions from 2 submitters: Uncertain significance (2). Last evaluated 2024-12-10.

Conditions:
Diabetes insipidus, nephrogenic, X-linked. Also called: Nephrogenic Diabetes Insipidus, Type I. Identifiers: Orphanet 223, MedGen C1563705, MONDO:0010581, OMIM 304800.

Submissions (2):

Department of Clinical Genetics, Copenhagen University Hospital, Rigshospitalet
Classification: Uncertain significance for Diabetes insipidus, nephrogenic, X-linked. Last evaluated: 2024-12-10. Review status: criteria provided, single submitter. Criteria: ACMG Guidelines, 2015. Collection method: clinical testing. Allele origin: germline.
Comment: PP3_M, PM2_Sup, PP4_Sup

Blueprint Genetics
Classification: Uncertain significance. Last evaluated: 2024-07-29. Review status: criteria provided, single submitter. Criteria: ACMG Guidelines, 2015. Collection method: clinical testing. Allele origin: germline.

NM_000054.7(AVPR2):c.278T>C (p.Val93Ala)

Gene: AVPR2 (arginine vasopressin receptor 2; plus strand). Cytogenetic location: Xq28.
Variant type: single nucleotide variant.
Coding change: c.278T>C on transcript NM_000054.7 (MANE Select); coding-DNA position 278, T replaced by C.
Protein change: p.Val93Ala; replaces valine 93 with alanine.
Molecular consequence: missense variant.
Genome position (GRCh38, 1-based): chrX:153,905,784, T>C. VCF-style: chrX-153905784-T-C. GRCh37 (hg19) VCF-style: chrX-153171238-T-C.
Other names: c.278T>C, p.Val93Ala (NM_001146151.3); short protein forms V93A.
Identifiers: ClinVar variation 3899278 (VCV003899278.2).